The following is an entry in ClinVar:

ClinVar aggregate classification (germline): Uncertain significance (1 of 4 stars; one submission).

Conditions:
Charcot-Marie-Tooth disease axonal type 2O. Also called: CHARCOT-MARIE-TOOTH NEUROPATHY, AXONAL, TYPE 2O; CHARCOT-MARIE-TOOTH DISEASE, AXONAL, AUTOSOMAL DOMINANT, TYPE 2O; Charcot-Marie-Tooth Neuropathy Type 2O; Charcot-Marie-Tooth disease, axonal, type 20. Identifiers: Orphanet 284232, MedGen C3280220, MONDO:0013644, OMIM 614228.

Allele frequency attached by ClinVar (database versions not stated): gnomAD exomes below 0.00001; gnomAD 0.00001.
gnomAD v4.1: 4 of 1,614,110 alleles (0.00025%); highest among the groups gnomAD compares: African/African-American, 0.0013%; no homozygotes.

Submission:

Labcorp Genetics (formerly Invitae), Labcorp
Classification: Uncertain significance for Charcot-Marie-Tooth disease axonal type 2O. Last evaluated: 2024-06-25. Review status: criteria provided, single submitter. Criteria: Invitae Variant Classification Sherloc (09022015). Collection method: clinical testing. Allele origin: germline.
Comment: This sequence change replaces glycine, which is neutral and non-polar, with serine, which is neutral and polar, at codon 2360 of the DYNC1H1 protein (p.Gly2360Ser). This variant is present in population databases (no rsID available, gnomAD 0.01%). This variant has not been reported in the literature in individuals affected with DYNC1H1-related conditions. ClinVar contains an entry for this variant (Variation ID: 941611). Advanced modeling of protein sequence and biophysical properties (such as structural, functional, and spatial information, amino acid conservation, physicochemical variation, residue mobility, and thermodynamic stability) performed at Invitae indicates that this missense variant is expected to disrupt DYNC1H1 protein function with a positive predictive value of 95%. In summary, the available evidence is currently insufficient to determine the role of this variant in disease. Therefore, it has been classified as a Variant of Uncertain Significance.

NM_001376.5(DYNC1H1):c.7078G>A (p.Gly2360Ser)

Gene: DYNC1H1 (dynein cytoplasmic 1 heavy chain 1; plus strand). Cytogenetic location: 14q32.31.
Variant type: single nucleotide variant.
Coding change: c.7078G>A on transcript NM_001376.5 (MANE Select); coding-DNA position 7078, G replaced by A.
Protein change: p.Gly2360Ser; replaces glycine 2360 with serine.
Molecular consequence: missense variant.
Genome position (GRCh38, 1-based): chr14:102,015,168, G>A. VCF-style: chr14-102015168-G-A. GRCh37 (hg19) VCF-style: chr14-102481505-G-A.
Other names: short protein forms G2360S.
Identifiers: ClinVar variation 941611 (VCV000941611.9), dbSNP rs1473788247, ClinGen allele CA391059932.